The following is an entry in ClinVar:

ClinVar aggregate classification (germline): Uncertain significance (1 of 4 stars; one submission).

gnomAD v4.1: 1 of 1,611,750 alleles (0.000062%); highest among the groups gnomAD compares: South Asian, 0.0011%; no homozygotes.

Submission:

Labcorp Genetics (formerly Invitae), Labcorp
Classification: Uncertain significance. Last evaluated: 2025-06-05. Review status: criteria provided, single submitter. Criteria: Invitae Variant Classification Sherloc (09022015). Collection method: clinical testing. Allele origin: germline.
Comment: This sequence change replaces glycine, which is neutral and non-polar, with arginine, which is basic and polar, at codon 1678 of the COL11A1 protein (p.Gly1678Arg). This variant is not present in population databases (gnomAD no frequency). This variant has not been reported in the literature in individuals affected with COL11A1-related conditions. Invitae Evidence Modeling of protein sequence and biophysical properties (such as structural, functional, and spatial information, amino acid conservation, physicochemical variation, residue mobility, and thermodynamic stability) indicates that this missense variant is expected to disrupt COL11A1 protein function with a positive predictive value of 80%. In summary, the available evidence is currently insufficient to determine the role of this variant in disease. Therefore, it has been classified as a Variant of Uncertain Significance.

NM_001854.4(COL11A1):c.5032G>C (p.Gly1678Arg)

Gene: COL11A1 (collagen type XI alpha 1 chain; minus strand). Cytogenetic location: 1p21.1.
Variant type: single nucleotide variant.
Coding change: c.5032G>C on transcript NM_001854.4 (MANE Select); coding-DNA position 5032, G replaced by C.
Protein change: p.Gly1678Arg; replaces glycine 1678 with arginine.
Molecular consequence: missense variant. On other transcripts: non-coding transcript variant (1).
Genome position (GRCh38, 1-based): chr1:102,881,705, C>G on the plus strand (G>C on the coding strand, the complement: COL11A1 is on the minus strand). VCF-style: chr1-102881705-C-G. GRCh37 (hg19) VCF-style: chr1-103347261-C-G.
Other names: c.4915G>C, p.Gly1639Arg (NM_001190709.2); c.5068G>C, p.Gly1690Arg (NM_080629.3); c.4684G>C, p.Gly1562Arg (NM_080630.4); short protein forms G1678R, G1562R, G1639R, G1690R.
Identifiers: ClinVar variation 4742260 (VCV004742260.1).